The following is an entry in ClinVar:

NM_000284.4(PDHA1):c.311T>C (p.Leu104Pro)

Gene: PDHA1 (pyruvate dehydrogenase E1 subunit alpha 1; plus strand). Cytogenetic location: Xp22.12.
Variant type: single nucleotide variant.
Coding change: c.311T>C on transcript NM_000284.4 (MANE Select); coding-DNA position 311, T replaced by C.
Protein change: p.Leu104Pro; replaces leucine 104 with proline.
Molecular consequence: missense variant.
Genome position (GRCh38, 1-based): chrX:19,351,300, T>C. VCF-style: chrX-19351300-T-C. GRCh37 (hg19) VCF-style: chrX-19369418-T-C.
Other names: p.L104P:CTG>CCG; c.425T>C, p.Leu142Pro (NM_001173454.2); c.332T>C, p.Leu111Pro (NM_001173455.2); c.311T>C, p.Leu104Pro (NM_001173456.2); short protein forms L104P, L142P, L111P.
Identifiers: ClinVar variation 197128 (VCV000197128.7), dbSNP rs794727621, ClinGen allele CA302973.

ClinVar aggregate classification (germline): Conflicting classifications of pathogenicity. Review status: criteria provided, conflicting classifications (1 of 4 stars). 2 submissions from 2 submitters: Likely pathogenic (1); Uncertain significance (1). Last evaluated 2017-03-28.

Submissions (2):

GeneDx
Classification: Likely pathogenic. Last evaluated: 2017-03-28. Review status: criteria provided, single submitter. Criteria: GeneDx Variant Classification (06012015). Collection method: clinical testing. Allele origin: germline. Affected: yes.
Comment: The L104P variant has not been published as a pathogenic variant, nor has it been reported as a benign variant to our knowledge. The L104P variant is not observed in large population cohorts (Lek et al., 2016; 1000 Genomes Consortium et al., 2015; Exome Variant Server). The L104P variant is a semi-conservative amino acid substitution, which may impact secondary protein structure as these residues differ in some properties. This substitution occurs at a position where amino acids with similar properties to Leucine are tolerated across species. In silico analysis predicts this variant is probably damaging to the protein structure/function. In summary, this variant is likely pathogenic; however, the possibility that it is benign cannot be excluded.

Eurofins Ntd Llc (ga)
Classification: Uncertain significance. Last evaluated: 2014-05-16. Review status: criteria provided, single submitter. Criteria: EGL Classification Definitions 2015. Collection method: clinical testing. Allele origin: germline. Observed: 1 variant allele, 1 hemizygote.